The following is an entry in ClinVar:

NM_014780.5(CUL7):c.629A>C (p.Glu210Ala)

Gene: CUL7 (cullin 7; minus strand). Cytogenetic location: 6p21.1.
Variant type: single nucleotide variant.
Coding change: c.629A>C on transcript NM_014780.5 (MANE Select); coding-DNA position 629, A replaced by C.
Protein change: p.Glu210Ala; replaces glutamic acid 210 with alanine.
Molecular consequence: missense variant.
Genome position (GRCh38, 1-based): chr6:43,051,715, T>G on the plus strand (A>C on the coding strand, the complement: CUL7 is on the minus strand). VCF-style: chr6-43051715-T-G. GRCh37 (hg19) VCF-style: chr6-43019453-T-G.
Other names: c.725A>C, p.Glu242Ala (NM_001168370.2, NM_001374872.1); c.629A>C, p.Glu210Ala (NM_001374873.1, NM_001374874.1); short protein forms E210A, E242A.
Identifiers: ClinVar variation 1476028 (VCV001476028.6), dbSNP rs1401406223, ClinGen allele CA364228805.

ClinVar aggregate classification (germline): Uncertain significance (1 of 4 stars; one submission).

Allele frequency attached by ClinVar (database versions not stated): TOPMed 0.00001.

Submission:

Labcorp Genetics (formerly Invitae), Labcorp
Classification: Uncertain significance. Last evaluated: 2021-03-09. Review status: criteria provided, single submitter. Criteria: Invitae Variant Classification Sherloc (09022015). Collection method: clinical testing. Allele origin: germline.
Comment: In summary, the available evidence is currently insufficient to determine the role of this variant in disease. Therefore, it has been classified as a Variant of Uncertain Significance. Algorithms developed to predict the effect of missense changes on protein structure and function are either unavailable or do not agree on the potential impact of this missense change (SIFT: "Deleterious"; PolyPhen-2: "Probably Damaging"; Align-GVGD: "Class C0"). This variant has not been reported in the literature in individuals with CUL7-related conditions. This variant is not present in population databases (ExAC no frequency). This sequence change replaces glutamic acid with alanine at codon 210 of the CUL7 protein (p.Glu210Ala). The glutamic acid residue is highly conserved and there is a moderate physicochemical difference between glutamic acid and alanine.